The following is an entry in ClinVar:

NM_006231.4(POLE):c.3770A>G (p.Gln1257Arg)

Gene: POLE (DNA polymerase epsilon, catalytic subunit; minus strand). Cytogenetic location: 12q24.33.
Variant type: single nucleotide variant.
Coding change: c.3770A>G on transcript NM_006231.4 (MANE Select); coding-DNA position 3770, A replaced by G.
Protein change: p.Gln1257Arg; replaces glutamine 1257 with arginine.
Molecular consequence: missense variant.
Genome position (GRCh38, 1-based): chr12:132,649,702, T>C on the plus strand (A>G on the coding strand, the complement: POLE is on the minus strand). VCF-style: chr12-132649702-T-C. GRCh37 (hg19) VCF-style: chr12-133226288-T-C.
Other names: short protein forms Q1257R.
Identifiers: ClinVar variation 1426726 (VCV001426726.11), dbSNP rs1361944688, ClinGen allele CA387386005.
Genomic context (GRCh38, chr12:132,649,702, plus strand): 5'-TCAGAGACAGACAGTATCACAGCTGTGTGCCTTACCTGGCTGGTTCCCAGGGCGGGAGGC[T>C]GCCCCAAGATTTCCTGCCAGGGCACAGTCGGCGTGAGGTCCTGGGACTCCTCCTGGCTCT-3'
Protein context (NP_006222.2, residues 1247-1267): PTVPWQEILG[Gln1257Arg]PPALGTSQEE

ClinVar aggregate classification (germline): Uncertain significance. Review status: criteria provided, multiple submitters, no conflicts (2 of 4 stars). 2 submissions from 2 submitters: Uncertain significance (2). Last evaluated 2025-10-21.

Conditions:
Hereditary cancer-predisposing syndrome. Also called: Tumor predisposition; Hereditary neoplastic syndrome; Neoplastic Syndromes, Hereditary; Hereditary Cancer Syndrome. Identifiers: Orphanet 140162, MedGen C0027672, MeSH D009386, MONDO:0015356.

Allele frequency attached by ClinVar (database versions not stated): gnomAD exomes below 0.00001.
gnomAD v4.1: 2 of 1,614,112 alleles (0.00012%); highest among the groups gnomAD compares: Admixed American, 0.0033%; no homozygotes.

Submissions (2):

Ambry Genetics
Classification: Uncertain significance for Hereditary cancer-predisposing syndrome. Last evaluated: 2025-10-21. Review status: criteria provided, single submitter. Criteria: Ambry Variant Classification Scheme 2023. Collection method: clinical testing. Allele origin: germline.
Comment: The p.Q1257R variant (also known as c.3770A>G), located in coding exon 30 of the POLE gene, results from an A to G substitution at nucleotide position 3770. The glutamine at codon 1257 is replaced by arginine, an amino acid with highly similar properties. This amino acid position is conserved. In addition, this alteration is predicted to be tolerated by in silico analysis. Since supporting evidence is limited at this time, the clinical significance of this alteration remains unclear.

Labcorp Genetics (formerly Invitae), Labcorp
Classification: Uncertain significance. Last evaluated: 2025-06-29. Review status: criteria provided, single submitter. Criteria: Invitae Variant Classification Sherloc (09022015). Collection method: clinical testing. Allele origin: germline.
Comment: This sequence change replaces glutamine, which is neutral and polar, with arginine, which is basic and polar, at codon 1257 of the POLE protein (p.Gln1257Arg). This variant is present in population databases (no rsID available, gnomAD 0.003%). This variant has not been reported in the literature in individuals affected with POLE-related conditions. ClinVar contains an entry for this variant (Variation ID: 1426726). Invitae Evidence Modeling of protein sequence and biophysical properties (such as structural, functional, and spatial information, amino acid conservation, physicochemical variation, residue mobility, and thermodynamic stability) indicates that this missense variant is not expected to disrupt POLE protein function with a negative predictive value of 80%. In summary, the available evidence is currently insufficient to determine the role of this variant in disease. Therefore, it has been classified as a Variant of Uncertain Significance.